The following is an entry in ClinVar:

NM_003002.4(SDHD):c.95C>G (p.Ser32Ter)

Gene: SDHD (succinate dehydrogenase complex subunit D; plus strand). Cytogenetic location: 11q23.1.
Variant type: single nucleotide variant.
Coding change: c.95C>G on transcript NM_003002.4 (MANE Select); coding-DNA position 95, C replaced by G.
Protein change: p.Ser32Ter; replaces serine 32 with a stop codon.
Molecular consequence: nonsense. On other transcripts: non-coding transcript variant (1), intron variant (1).
Genome position (GRCh38, 1-based): chr11:112,087,899, C>G. VCF-style: chr11-112087899-C-G. GRCh37 (hg19) VCF-style: chr11-111958623-C-G.
Other names: c.95C>G, p.Ser32Ter (NM_001276503.2, NM_001276506.2); c.52+940C>G (NM_001276504.2); short protein forms S32*.
Identifiers: ClinVar variation 3759161 (VCV003759161.2).
Genomic context (GRCh38, chr11:112,087,899, plus strand): 5'-TAATGACTCTTTCCTCAGCTCTGTTGCTTCGAACTCCAGTGGTCAGACCTGCTCATATCT[C>G]AGCATTTCTTCAGGACCGACCTATCCCAGAATGGTGTGGAGTGCAGCACATACACTTGTC-3'

ClinVar aggregate classification (germline): Pathogenic (1 of 4 stars; one submission).

Conditions:
Pheochromocytoma. Also called: MAX-Related Hereditary Paraganglioma-Pheochromocytoma Syndrome. Identifiers: Orphanet 29072, MedGen C0031511, MONDO:0008233, OMIM 171300, HP:0002666.
Cowden syndrome 3 (CWS3). Identifiers: Orphanet 201, MedGen CN166604, MONDO:0014045.
Carney-Stratakis syndrome. Also called: PARAGANGLIOMA AND GASTROINTESTINAL STROMAL TUMOR. Identifiers: Orphanet 97286, MedGen C1847319, MONDO:0011740, OMIM 606864.
Paragangliomas with sensorineural hearing loss. Identifiers: MedGen C1868633.

Submission:

Labcorp Genetics (formerly Invitae), Labcorp
Classification: Pathogenic for Carney-Stratakis syndrome; Paragangliomas with sensorineural hearing loss; Pheochromocytoma; Cowden syndrome 3. Last evaluated: 2024-12-21. Review status: criteria provided, single submitter. Criteria: Invitae Variant Classification Sherloc (09022015). Collection method: clinical testing. Allele origin: germline.
Comment: This sequence change creates a premature translational stop signal (p.Ser32*) in the SDHD gene. It is expected to result in an absent or disrupted protein product. Loss-of-function variants in SDHD are known to be pathogenic (PMID: 19454582, 19802898). This variant is not present in population databases (gnomAD no frequency). This premature translational stop signal has been observed in individual(s) with SDHD-related conditions (PMID: 23433498). For these reasons, this variant has been classified as Pathogenic.

Literature cited by the submitters: PubMed 19454582; PubMed 19802898; PubMed 23433498.